The following is an entry in ClinVar:

ClinVar aggregate classification (germline): Likely benign (0 of 4 stars; one submission).

Conditions:
BBS4-related disorder. Also called: BBS4-related condition.

gnomAD v4.1: 5 of 1,613,874 alleles (0.00031%); highest among the groups gnomAD compares: South Asian, 0.0055%; no homozygotes.

Submission:

PreventionGenetics, part of Exact Sciences
Classification: Likely benign for BBS4-related condition. Last evaluated: 2023-05-23. Review status: no assertion criteria provided. Collection method: clinical testing. Allele origin: germline.
Comment: This variant is classified as likely benign based on ACMG/AMP sequence variant interpretation guidelines (Richards et al. 2015 PMID: 25741868, with internal and published modifications).

NM_033028.5(BBS4):c.1450+5G>A

Gene: BBS4 (Bardet-Biedl syndrome 4; plus strand). Cytogenetic location: 15q24.1.
Variant type: single nucleotide variant.
Coding change: c.1450+5G>A on transcript NM_033028.5 (MANE Select); 5 bases into the intron after coding-DNA position 1450, G replaced by A.
Molecular consequence: intron variant.
Genome position (GRCh38, 1-based): chr15:72,736,968, G>A. VCF-style: chr15-72736968-G-A. GRCh37 (hg19) VCF-style: chr15-73029309-G-A.
Other names: c.1381+5G>A (NM_001320665.2); c.934+5G>A (NM_001252678.2).
Identifiers: ClinVar variation 3354371 (VCV003354371.1).
Genomic context (GRCh38, chr15:72,736,968, plus strand): 5'-TCAAGCTCTAGGACAGGCAATGTCTTCAGCAGCTGCATACAGGACGCTCCCCTCAGGTAG[G>A]ACCATACAGAGCTCCATGAAGACCTGGCAGGTACAAGCCACATGTGTCTGTCAGCAGAGA-3'